The following is an entry in ClinVar:

NM_000543.5(SMPD1):c.1276G>A (p.Gly426Ser)

Gene: SMPD1 (sphingomyelin phosphodiesterase 1; plus strand). Cytogenetic location: 11p15.4.
Variant type: single nucleotide variant.
Coding change: c.1276G>A on transcript NM_000543.5 (MANE Select); coding-DNA position 1276, G replaced by A.
Protein change: p.Gly426Ser; replaces glycine 426 with serine.
Molecular consequence: missense variant. On other transcripts: non-coding transcript variant (2).
Genome position (GRCh38, 1-based): chr11:6,393,629, G>A. VCF-style: chr11-6393629-G-A. GRCh37 (hg19) VCF-style: chr11-6414859-G-A.
Other names: c.1273G>A, p.Gly425Ser (NM_001007593.3); c.1276G>A, p.Gly426Ser (NM_001318087.2); c.355G>A, p.Gly119Ser (NM_001318088.2); c.1144G>A, p.Gly382Ser (NM_001365135.2); short protein forms G426S, G425S, G382S, G119S.
Identifiers: ClinVar variation 432163 (VCV000432163.17), dbSNP rs1554935136, ClinGen allele CA379374228.

ClinVar aggregate classification (germline): Pathogenic/Likely pathogenic. Review status: criteria provided, multiple submitters, no conflicts (2 of 4 stars). 8 submissions from 8 submitters: Pathogenic (4); Likely pathogenic (3). 1 of the submissions does not count toward it. Last evaluated 2026-01-17.

Conditions:
Niemann-Pick disease, type B. Also called: Chronic Visceral ASMD (Niemann-Pick Disease Type B; NPD-B). Identifiers: Orphanet 77293, MedGen C0268243, MONDO:0011871, OMIM 607616. Disease mechanism: loss of function.
Niemann-Pick disease, type A. Also called: SPHINGOMYELIN LIPIDOSIS; SPHINGOMYELINASE DEFICIENCY; Infantile Neurovisceral ASMD (Niemann-Pick Disease Type A; NPD-A). Identifiers: Orphanet 77292, MedGen C0268242, MONDO:0009756, OMIM 257200. Disease mechanism: loss of function.
Sphingomyelin/cholesterol lipidosis. Also called: Niemann-Pick disease. Identifiers: MedGen C0028064, MONDO:0001982.

Allele frequency attached by ClinVar (database versions not stated): gnomAD exomes below 0.00001.
gnomAD v4.1: 2 of 1,613,314 alleles (0.00012%); highest among the groups gnomAD compares: South Asian, 0.0022%; no homozygotes.

Submissions (8):

Labcorp Genetics (formerly Invitae), Labcorp
Classification: Pathogenic for Niemann-Pick disease, type B; Niemann-Pick disease, type A. Last evaluated: 2026-01-17. Review status: criteria provided, single submitter. Criteria: Invitae Variant Classification Sherloc (09022015). Collection method: clinical testing. Allele origin: germline.
Comment: This sequence change replaces glycine, which is neutral and non-polar, with serine, which is neutral and polar, at codon 426 of the SMPD1 protein (p.Gly426Ser). This variant is not present in population databases (gnomAD no frequency). This missense change has been observed in individuals with acid sphingomyelinase deficiency (PMID: 27338287; internal data). ClinVar contains an entry for this variant (Variation ID: 432163). Invitae Evidence Modeling of protein sequence and biophysical properties (such as structural, functional, and spatial information, amino acid conservation, physicochemical variation, residue mobility, and thermodynamic stability) has been performed for this missense variant. However, the output from this modeling did not meet the statistical confidence thresholds required to predict the impact of this variant on SMPD1 protein function. Algorithms developed to predict the effect of sequence changes on RNA splicing suggest that this variant may disrupt the consensus splice site. For these reasons, this variant has been classified as Pathogenic.

Natera, Inc.
Classification: Likely pathogenic for Niemann-Pick Disease, Types A/B. Last evaluated: 2025-07-22. Review status: criteria provided, single submitter. Criteria: Natera Variant Classification Schema (03/2026). Collection method: clinical testing. Allele origin: germline.
Comment: The c.1276G>A variant in SMPD1 is a missense variant predicted to cause substitution of glycine to serine at amino acid 426. This variant is rare in the general population with a frequency below the threshold expected for the associated phenotype(s). This variant has been observed in one or more individuals affected with the associated recessive disease, as either homozygous or compound heterozygous with a second variant (PMID: 27338287). Computational prediction algorithms indicate this variant is likely to affect gene or protein function. Given the available evidence, this variant is classified as Likely Pathogenic.

Fulgent Genetics
Classification: Likely pathogenic for Niemann-Pick disease, type A; Niemann-Pick disease, type B. Last evaluated: 2024-04-18. Review status: criteria provided, single submitter. Criteria: ACMG Guidelines, 2015. Collection method: clinical testing. Allele origin: germline.

Women's Health and Genetics/Laboratory Corporation of America, LabCorp
Classification: Pathogenic for Sphingomyelin/cholesterol lipidosis. Last evaluated: 2024-04-15. Review status: criteria provided, single submitter. Criteria: LabCorp Variant Classification Summary - May 2015. Collection method: clinical testing. Allele origin: germline.
Comment: Variant summary: SMPD1 c.1276G>A (p.Gly426Ser) results in a non-conservative amino acid change located in the Calcineurin-like phosphoesterase domain, ApaH type domain (IPR004843) of the encoded protein sequence. Four of four in-silico tools predict a damaging effect of the variant on protein function. The variant was absent in 249056 control chromosomes (gnomAD). c.1276G>A has been reported in the literature in several individuals affected with Niemann-Pick Disease, both in the homozygous state and in the compound heterozygous state with a pathogenic variant (Ranganath_2016). These data indicate that the variant is very likely to be associated with disease. The following publication has been ascertained in the context of this evaluation (PMID: 27338287). ClinVar contains an entry for this variant (Variation ID: 432163). Based on the evidence outlined above, the variant was classified as pathogenic.

Baylor Genetics
Classification: Pathogenic for Niemann-Pick disease, type A. Last evaluated: 2024-03-09. Review status: criteria provided, single submitter. Criteria: ACMG Guidelines, 2015. Collection method: clinical testing. Allele origin: unknown.

GeneDx
Classification: Likely pathogenic. Last evaluated: 2016-05-17. Review status: criteria provided, single submitter. Criteria: GeneDx Variant Classification (06012015). Collection method: clinical testing. Allele origin: germline. Affected: yes.
Comment: The G426S variant has not been published as a pathogenic variant, nor has it been reported as a benign variant to our knowledge. The G426S variant was not observed in approximately 6500 individuals of European and African American ancestry in the NHLBI Exome Sequencing Project, indicating it is not a common benign variant in these populations. The G426S variant is a non-conservative amino acid substitution, which is likely to impact secondary protein structure as these residues differ in polarity, charge, size and/or other properties. This substitution occurs at a position that is conserved across species. In silico analysis is inconsistent in its predictions as to whether or not the variant is damaging to the protein structure/function. Therefore, this variant is likely pathogenic; however, the possibility that it is benign cannot be excluded

Kasturba Medical College, Manipal, Kasturba Medical College, Manipal, Manipal Academy of Higher Education, Manipal, India
Classification: Pathogenic for Niemann-Pick disease, type B. Review status: criteria provided, single submitter. Criteria: ACMG Guidelines, 2015. Collection method: clinical testing. Allele origin: biparental. Inheritance: Autosomal recessive inheritance. Affected: yes.

Counsyl
Classification: Likely pathogenic for Niemann-Pick disease, type A. Last evaluated: 2017-01-31. Review status: no assertion criteria provided. Collection method: clinical testing. Allele origin: unknown. Not counted in ClinVar's aggregate classification.

Literature cited by the submitters: PubMed 27338287 (cited by 4 submitters); DOI 10.1002/ajmg.a.37817 (cited by Kasturba Medical College, Manipal, Kasturba Medical College, Manipal, Manipal Academy of Higher Education, Manipal, India).